The following is an entry in ClinVar:

NM_001042492.3(NF1):c.4958G>T (p.Arg1653Leu)

Gene: NF1 (neurofibromin 1; plus strand). Cytogenetic location: 17q11.2.
Variant type: single nucleotide variant.
Coding change: c.4958G>T on transcript NM_001042492.3 (MANE Select); coding-DNA position 4958, G replaced by T.
Protein change: p.Arg1653Leu; replaces arginine 1653 with leucine.
Molecular consequence: missense variant.
Genome position (GRCh38, 1-based): chr17:31,325,942, G>T. VCF-style: chr17-31325942-G-T. GRCh37 (hg19) VCF-style: chr17-29652960-G-T.
Other names: c.4895G>T, p.Arg1632Leu (NM_000267.4); short protein forms R1653L, R1632L.
Identifiers: ClinVar variation 457730 (VCV000457730.5), dbSNP rs763413441, ClinGen allele CA399007191.

ClinVar aggregate classification (germline): Uncertain significance (1 of 4 stars; one submission).

Conditions:
Neurofibromatosis, type 1 (NF1). Also called: VON RECKLINGHAUSEN DISEASE; NEUROFIBROMATOSIS, TYPE I, SOMATIC; Peripheral type neurofibromatosis; Neurofibromatosis, type I. Identifiers: Orphanet 636, MedGen C0027831, MONDO:0018975, OMIM 162200. Disease mechanism: loss of function.

Submission:

Labcorp Genetics (formerly Invitae), Labcorp
Classification: Uncertain significance for Neurofibromatosis, type 1. Last evaluated: 2021-03-01. Review status: criteria provided, single submitter. Criteria: Invitae Variant Classification Sherloc (09022015). Collection method: clinical testing. Allele origin: germline.
Comment: This sequence change replaces arginine with leucine at codon 1632 of the NF1 protein (p.Arg1632Leu). The arginine residue is moderately conserved and there is a moderate physicochemical difference between arginine and leucine. This variant is not present in population databases (ExAC no frequency) and has not been reported in the literature in individuals with an NF1-related disease. Algorithms developed to predict the effect of missense changes on protein structure and function do not agree on the potential impact of this missense change (SIFT: "Tolerated"; PolyPhen-2: "Probably Damaging"; Align-GVGD: "Class C0"). In summary, this variant is a novel missense change with uncertain impact on protein function. It has been classified as a Variant of Uncertain Significance.